The following is an entry in ClinVar:

NM_000424.4(KRT5):c.392G>A (p.Gly131Asp)

Gene: KRT5 (keratin 5; minus strand). Cytogenetic location: 12q13.13.
Variant type: single nucleotide variant.
Coding change: c.392G>A on transcript NM_000424.4 (MANE Select); coding-DNA position 392, G replaced by A.
Protein change: p.Gly131Asp; replaces glycine 131 with aspartic acid.
Molecular consequence: missense variant.
Genome position (GRCh38, 1-based): chr12:52,519,905, C>T on the plus strand (G>A on the coding strand, the complement: KRT5 is on the minus strand). VCF-style: chr12-52519905-C-T. GRCh37 (hg19) VCF-style: chr12-52913689-C-T.
Other names: short protein forms G131D.
Identifiers: ClinVar variation 4083104 (VCV004083104.1).

ClinVar aggregate classification (germline): Uncertain significance (1 of 4 stars; one submission).

Submission:

GeneDx
Classification: Uncertain significance. Last evaluated: 2025-03-13. Review status: criteria provided, single submitter. Criteria: GeneDx Variant Classification Process June 2021. Collection method: clinical testing. Allele origin: germline. Affected: yes.
Comment: Not observed at significant frequency in large population cohorts (gnomAD); In silico analysis supports that this missense variant has a deleterious effect on protein structure/function; Has not been previously published as pathogenic or benign to our knowledge